The following is an entry in ClinVar:

NM_020461.4(TUBGCP6):c.5444_5447dup (p.Tyr1816Ter)

Gene: TUBGCP6 (tubulin gamma complex component 6; minus strand). Cytogenetic location: 22q13.33.
Variant type: Duplication.
Coding change: c.5444_5447dup on transcript NM_020461.4 (MANE Select); coding-DNA positions 5444 to 5447, 4 bases duplicated (ACTA; older notation c.5444_5447dupACTA).
Protein change: p.Tyr1816Ter; replaces tyrosine 1816 with a stop codon.
Molecular consequence: nonsense.
Genome position (GRCh38, 1-based): chr22:50,217,749-50,217,752, TAGT duplicated on the plus strand (ACTA on the coding strand, the reverse complement: TUBGCP6 is on the minus strand). VCF-style (leftmost placement, unchanged base first): chr22-50217748-G-GTAGT. GRCh37 (hg19) VCF-style: chr22-50656177-G-GTAGT.
Other names: c.5444_5447dupACTA (NM_020461.4); short protein forms Y1816*.
Identifiers: ClinVar variation 3366349 (VCV003366349.1).

ClinVar aggregate classification (germline): Uncertain significance (1 of 4 stars; one submission).

Submission:

Women's Health and Genetics/Laboratory Corporation of America, LabCorp
Classification: Uncertain significance. Last evaluated: 2024-08-29. Review status: criteria provided, single submitter. Criteria: LabCorp Variant Classification Summary - May 2015. Collection method: clinical testing. Allele origin: germline.
Comment: Variant summary: TUBGCP6 c.5444_5447dupACTA (p.Tyr1816X) results in a premature termination codon, predicted to cause a truncation of the encoded protein, however no downstream pathogenic variants have been reported. The variant was absent in 250974 control chromosomes. The available data on variant occurrences in the general population are insufficient to allow any conclusion about variant significance. To our knowledge, no occurrence of c.5444_5447dupACTA in individuals affected with Microcephaly And Chorioretinopathy 1 and no experimental evidence demonstrating its impact on protein function have been reported. No submitters have cited clinical-significance assessments for this variant to ClinVar. Based on the evidence outlined above, the variant was classified as uncertain significance.